The following is an entry in ClinVar:

NM_005869.4(CWC27):c.1098G>A (p.Lys366=)

Gene: CWC27 (CWC27 spliceosome associated cyclophilin; plus strand). Cytogenetic location: 5q12.3.
Variant type: single nucleotide variant.
Coding change: c.1098G>A on transcript NM_005869.4 (MANE Select); coding-DNA position 1098, G replaced by A.
Protein change: p.Lys366=; no amino-acid change (lysine 366 retained).
Molecular consequence: synonymous variant.
Genome position (GRCh38, 1-based): chr5:64,971,758, G>A. VCF-style: chr5-64971758-G-A. GRCh37 (hg19) VCF-style: chr5-64267585-G-A.
Other names: c.1098G>A, p.Lys366= (NM_001297644.1).
Identifiers: ClinVar variation 727278 (VCV000727278.13), dbSNP rs143676351, ClinGen allele CA3282217.
Genomic context (GRCh38, chr5:64,971,758, plus strand): 5'-TTTAGAGGAAGAAGCCCCTCCAGATGGTGCTGTTGCCGAATACAGAAGAGAAAAGCAAAA[G>A]TATGAAGCTTTGAGGAAGCAACAGTCAAAGAAGGGAACTTCCCGGGAAGATCAGGTAACT-3'
Protein context (NP_005860.2, residues 356-376): AVAEYRREKQ[Lys366=]YEALRKQQSK

ClinVar aggregate classification (germline): Likely benign. Review status: criteria provided, multiple submitters, no conflicts (2 of 4 stars). 3 submissions from 3 submitters: Likely benign (3). Last evaluated 2026-01-16.

Conditions:
CWC27-related disorder. Also called: CWC27-related condition.

Allele frequency attached by ClinVar (database versions not stated): gnomAD exomes 0.00018; ExAC 0.00021; gnomAD 0.00059 and 0.00060; TOPMed 0.00059; ESP Exome Variant Server 0.00077; 1000 Genomes Project 0.00080; 1000 Genomes Project 30x 0.00109.
gnomAD v4.1: 161 of 1,612,316 alleles (0.01%); highest among the groups gnomAD compares: African/African-American, 0.19%; 3 homozygotes.

Submissions (3):

Labcorp Genetics (formerly Invitae), Labcorp
Classification: Likely benign. Last evaluated: 2026-01-16. Review status: criteria provided, single submitter. Criteria: Invitae Variant Classification Sherloc (09022015). Collection method: clinical testing. Allele origin: germline.

PreventionGenetics, part of Exact Sciences
Classification: Likely benign for CWC27-related condition. Last evaluated: 2024-12-04. Review status: criteria provided, single submitter. Criteria: ACMG Guidelines, 2015. Collection method: clinical testing. Allele origin: germline.
Comment: This variant is classified as likely benign based on ACMG/AMP sequence variant interpretation guidelines (Richards et al. 2015 PMID: 25741868, with internal and published modifications).

Blueprint Genetics
Classification: Likely benign. Last evaluated: 2024-08-12. Review status: criteria provided, single submitter. Criteria: ACMG Guidelines, 2015. Collection method: clinical testing. Allele origin: germline.